The following is an entry in ClinVar:

ClinVar aggregate classification (germline): Likely benign (1 of 4 stars; one submission).

Conditions:
PLXNA2-related disorder. Also called: PLXNA2-related condition.

gnomAD v4.1: 5 of 1,612,404 alleles (0.00031%); highest among the groups gnomAD compares: Non-Finnish European, 0.00042%; no homozygotes.

Submission:

PreventionGenetics, part of Exact Sciences
Classification: Likely benign for PLXNA2-related condition. Last evaluated: 2025-09-28. Review status: criteria provided, single submitter. Criteria: ACMG Guidelines, 2015. Collection method: clinical testing. Allele origin: germline.
Comment: This variant is classified as likely benign based on ACMG/AMP sequence variant interpretation guidelines (Richards et al. 2015 PMID: 25741868, with internal and published modifications).

NM_025179.4(PLXNA2):c.4286+9C>T

Gene: PLXNA2 (plexin A2; minus strand). Cytogenetic location: 1q32.2.
Variant type: single nucleotide variant.
Coding change: c.4286+9C>T on transcript NM_025179.4 (MANE Select); 9 bases into the intron after coding-DNA position 4286, C replaced by T.
Molecular consequence: intron variant.
Genome position (GRCh38, 1-based): chr1:208,042,089, G>A on the plus strand (C>T on the coding strand, the complement: PLXNA2 is on the minus strand). VCF-style: chr1-208042089-G-A. GRCh37 (hg19) VCF-style: chr1-208215434-G-A.
Identifiers: ClinVar variation 4982810 (VCV004982810.1).